The following is an entry in ClinVar:

ClinVar aggregate classification (germline): Uncertain significance (1 of 4 stars; one submission).

Submission:

Ambry Genetics
Classification: Uncertain significance. Last evaluated: 2024-02-24. Review status: criteria provided, single submitter. Criteria: Ambry Variant Classification Scheme 2023. Collection method: clinical testing. Allele origin: germline.
Comment: The p.T971S variant (also known as c.2912C>G), located in coding exon 4 of the ALPK2 gene, results from a C to G substitution at nucleotide position 2912. The threonine at codon 971 is replaced by serine, an amino acid with similar properties. This amino acid position is conserved. In addition, this alteration is predicted to be tolerated by in silico analysis. Based on the available evidence, the clinical significance of this alteration remains unclear.

NM_052947.4(ALPK2):c.2912C>G (p.Thr971Ser)

Gene: ALPK2 (alpha kinase 2; minus strand). Cytogenetic location: 18q21.31.
Variant type: single nucleotide variant.
Coding change: c.2912C>G on transcript NM_052947.4 (MANE Select); coding-DNA position 2912, C replaced by G.
Protein change: p.Thr971Ser; replaces threonine 971 with serine.
Molecular consequence: missense variant.
Genome position (GRCh38, 1-based): chr18:58,537,275, G>C on the plus strand (C>G on the coding strand, the complement: ALPK2 is on the minus strand). VCF-style: chr18-58537275-G-C. GRCh37 (hg19) VCF-style: chr18-56204507-G-C.
Other names: short protein forms T971S.
Identifiers: ClinVar variation 3228660 (VCV003228660.1), dbSNP rs1162449736, ClinGen allele CA402569500.